The following is an entry in ClinVar:

ClinVar aggregate classification (germline): Likely benign (1 of 4 stars; one submission).

gnomAD v4.1: 4,825 of 1,609,616 alleles (0.3%); highest among the groups gnomAD compares: Middle Eastern, 0.48%; 10 homozygotes.

Submission:

CeGaT Center for Human Genetics Tuebingen
Classification: Likely benign. Last evaluated: 2024-09-01. Review status: criteria provided, single submitter. Criteria: CeGaT Center For Human Genetics Tuebingen Variant Classification Criteria Version 2. Collection method: clinical testing. Allele origin: germline. Affected: yes. Observed: 1 variant allele.
Comment: PTH2R: BP4

NM_005048.4(PTH2R):c.673G>T (p.Ala225Ser)

Gene: PTH2R (parathyroid hormone 2 receptor; plus strand). Cytogenetic location: 2q34.
Variant type: single nucleotide variant.
Coding change: c.673G>T on transcript NM_005048.4 (MANE Select); coding-DNA position 673, G replaced by T.
Protein change: p.Ala225Ser; replaces alanine 225 with serine.
Molecular consequence: missense variant. On other transcripts: non-coding transcript variant (4).
Genome position (GRCh38, 1-based): chr2:208,443,511, G>T. VCF-style: chr2-208443511-G-T. GRCh37 (hg19) VCF-style: chr2-209308236-G-T.
Other names: c.340G>T, p.Ala114Ser (NM_001309516.2, NM_001371905.1, NM_001371906.1 and 1 more transcripts); short protein forms A114S, A225S.
Identifiers: ClinVar variation 3388026 (VCV003388026.14).